The following is an entry in ClinVar:

ClinVar aggregate classification (germline): Uncertain significance (1 of 4 stars; one submission).

Conditions:
Pancreatic adenocarcinoma. Identifiers: MedGen C0281361, MONDO:0006047, HP:0006725.

Submission:

Labcorp Genetics (formerly Invitae), Labcorp
Classification: Uncertain significance for Pancreatic adenocarcinoma. Last evaluated: 2020-03-17. Review status: criteria provided, single submitter. Criteria: Invitae Variant Classification Sherloc (09022015). Collection method: clinical testing. Allele origin: germline.
Comment: In summary, the available evidence is currently insufficient to determine the role of this variant in disease. Therefore, it has been classified as a Variant of Uncertain Significance. The current clinical and genetic evidence is not sufficient to establish whether loss-of-function variants in PALLD cause disease. This variant has not been reported in the literature in individuals with PALLD-related conditions. The frequency data for this variant in the population databases is considered unreliable, as metrics indicate insufficient coverage at this position in the ExAC database. This sequence change creates a premature translational stop signal (p.Ser6Glufs*75) in the PALLD gene. It is expected to result in an absent or disrupted protein product.

NM_001166108.2(PALLD):c.1965-13028_1965-13016dup

Gene: PALLD (palladin, cytoskeletal associated protein; plus strand). Cytogenetic location: 4q32.3.
Variant type: Duplication.
Coding change: c.1965-13028_1965-13016dup on transcript NM_001166108.2 (MANE Select); 13028 bases into the intron before coding-DNA position 1965 through 13016 bases into the intron before coding-DNA position 1965, 13 bases duplicated (GAGCGCGCTGGCC).
Molecular consequence: intron variant. On other transcripts: frameshift variant (1), initiator codon variant (1).
Genome position (GRCh38, 1-based): chr4:168,877,894-168,877,906, GAGCGCGCTGGCC duplicated. VCF-style (leftmost placement, unchanged base first): chr4-168877893-T-TGAGCGCGCTGGCC. GRCh37 (hg19) VCF-style: chr4-169799044-T-TGAGCGCGCTGGCC.
Other names: c.3_15dup, p.Ser6fs (NM_001166110.2); c.1965-13028_1965-13016dup (NM_016081.4); c.819-13028_819-13016dup (NM_001166109.2); c.-157-13028_-157-13016dup (NM_001367570.1, NM_001367568.1, NM_001367567.1 and 1 more transcripts); short protein forms S6fs.
Identifiers: ClinVar variation 1041478 (VCV001041478.7), dbSNP rs1751989521, ClinGen allele CA1511729726.